The following is an entry in ClinVar:

NM_005732.4(RAD50):c.2738G>A (p.Ser913Asn)

Gene: RAD50 (RAD50 double strand break repair protein; plus strand). Cytogenetic location: 5q31.1.
Variant type: single nucleotide variant.
Coding change: c.2738G>A on transcript NM_005732.4 (MANE Select); coding-DNA position 2738, G replaced by A.
Protein change: p.Ser913Asn; replaces serine 913 with asparagine.
Molecular consequence: missense variant.
Genome position (GRCh38, 1-based): chr5:132,608,634, G>A. VCF-style: chr5-132608634-G-A. GRCh37 (hg19) VCF-style: chr5-131944326-G-A.
Other names: short protein forms S913N.
Identifiers: ClinVar variation 232756 (VCV000232756.16), dbSNP rs876659971, ClinGen allele CA10578578.

ClinVar aggregate classification (germline): Conflicting classifications of pathogenicity. Review status: criteria provided, conflicting classifications (1 of 4 stars). 3 submissions from 3 submitters: Uncertain significance (2); Likely benign (1). Last evaluated 2026-08-06.

Conditions:
Hereditary cancer-predisposing syndrome. Also called: Tumor predisposition; Hereditary neoplastic syndrome; Neoplastic Syndromes, Hereditary; Hereditary Cancer Syndrome. Identifiers: Orphanet 140162, MedGen C0027672, MeSH D009386, MONDO:0015356.
Nijmegen breakage syndrome-like disorder (NBSLD). Also called: MICROCEPHALY AND SPONTANEOUS CHROMOSOME INSTABILITY WITHOUT IMMUNODEFICIENCY; NBS-LIKE DISORDER; RAD50 DEFICIENCY. Identifiers: Orphanet 240760, MedGen C2751318, MONDO:0013118, OMIM 613078.

Allele frequency attached by ClinVar (database versions not stated): gnomAD exomes below 0.00001; TOPMed below 0.00001.
gnomAD v4.1: 2 of 1,593,908 alleles (0.00013%); highest among the groups gnomAD compares: Non-Finnish European, 0.00017%; no homozygotes.

Submissions (3):

OLLIN Analises Genomicas, OLLIN
Classification: Uncertain significance for Nijmegen breakage syndrome-like disorder. Last evaluated: 2026-08-06. Review status: criteria provided, single submitter. Criteria: ACMG Guidelines 2015 PMID 25741868. Collection method: clinical testing. Allele origin: germline. Inheritance: Autosomal recessive inheritance.
Comment: This missense variant, located in exon 17 (of 25), has been reported in ClinVar (accession VCV000232756.15) and in gnomAD with an allele frequency of 0.00013%. However, to our knowledge, it has not been reported in the scientific literature. In silico analysis predicts that this variant has a tolerated effect. According to the currently available evidence, this variant has been classified as uncertain significance (PM2_P, BP4_M).

Labcorp Genetics (formerly Invitae), Labcorp
Classification: Uncertain significance for Hereditary cancer-predisposing syndrome. Last evaluated: 2024-03-20. Review status: criteria provided, single submitter. Criteria: Invitae Variant Classification Sherloc (09022015). Collection method: clinical testing. Allele origin: germline.
Comment: This sequence change replaces serine, which is neutral and polar, with asparagine, which is neutral and polar, at codon 913 of the RAD50 protein (p.Ser913Asn). This variant is not present in population databases (gnomAD no frequency). This variant has not been reported in the literature in individuals affected with RAD50-related conditions. ClinVar contains an entry for this variant (Variation ID: 232756). Advanced modeling of protein sequence and biophysical properties (such as structural, functional, and spatial information, amino acid conservation, physicochemical variation, residue mobility, and thermodynamic stability) performed at Invitae indicates that this missense variant is not expected to disrupt RAD50 protein function with a negative predictive value of 80%. In summary, the available evidence is currently insufficient to determine the role of this variant in disease. Therefore, it has been classified as a Variant of Uncertain Significance.

Ambry Genetics
Classification: Likely benign for Hereditary cancer-predisposing syndrome. Last evaluated: 2018-06-08. Review status: criteria provided, single submitter. Criteria: Ambry Variant Classification Scheme 2023. Collection method: clinical testing. Allele origin: germline.